The following is an entry in ClinVar:

NM_033028.5(BBS4):c.995A>G (p.Asn332Ser)

Gene: BBS4 (Bardet-Biedl syndrome 4; plus strand). Cytogenetic location: 15q24.1.
Variant type: single nucleotide variant.
Coding change: c.995A>G on transcript NM_033028.5 (MANE Select); coding-DNA position 995, A replaced by G.
Protein change: p.Asn332Ser; replaces asparagine 332 with serine.
Molecular consequence: missense variant. On other transcripts: non-coding transcript variant (2).
Genome position (GRCh38, 1-based): chr15:72,731,685, A>G. VCF-style: chr15-72731685-A-G. GRCh37 (hg19) VCF-style: chr15-73024026-A-G.
Other names: c.479A>G, p.Asn160Ser (NM_001252678.2); c.926A>G, p.Asn309Ser (NM_001320665.2); short protein forms N160S, N309S, N332S.
Identifiers: ClinVar variation 3346400 (VCV003346400.1).

ClinVar aggregate classification (germline): Uncertain significance (0 of 4 stars; one submission).

Conditions:
BBS4-related disorder. Also called: BBS4-related condition.

gnomAD v4.1: 3 of 1,614,232 alleles (0.00019%); highest among the groups gnomAD compares: South Asian, 0.0011%; no homozygotes.

Submission:

PreventionGenetics, part of Exact Sciences
Classification: Uncertain significance for BBS4-related condition. Last evaluated: 2024-05-17. Review status: no assertion criteria provided. Collection method: clinical testing. Allele origin: germline.
Comment: The BBS4 c.995A>G variant is predicted to result in the amino acid substitution p.Asn332Ser. To our knowledge, this variant has not been reported in the literature. This variant is reported in 0.0018% of alleles in individuals of European (Non-Finnish) descent in gnomAD. At this time, the clinical significance of this variant is uncertain due to the absence of conclusive functional and genetic evidence.